The following is an entry in ClinVar:

NM_016123.4(IRAK4):c.-9-1G>A

Gene: IRAK4 (interleukin 1 receptor associated kinase 4; plus strand). Cytogenetic location: 12q12.
Variant type: single nucleotide variant.
Coding change: c.-9-1G>A on transcript NM_016123.4 (MANE Select); the canonical splice acceptor site of the intron before 9 bases upstream of the start codon, G replaced by A.
Molecular consequence: splice acceptor variant. On other transcripts: intron variant (2).
Genome position (GRCh38, 1-based): chr12:43,768,102, G>A. VCF-style: chr12-43768102-G-A. GRCh37 (hg19) VCF-style: chr12-44161905-G-A.
Other names: c.-235-1G>A (NM_001351338.2, NM_001145256.2, NM_001145257.2); c.-9-1G>A (NM_001351345.2, NM_001114182.3); c.-448-1G>A (NM_001351341.2, NM_001351339.2, NM_001351340.2); c.-386-1G>A (NM_001351343.2, NM_001351344.2); c.-278-2936G>A (NM_001351342.2); c.-65-4078G>A (NM_001145258.2).
Identifiers: ClinVar variation 4880471 (VCV004880471.1).

ClinVar aggregate classification (germline): Likely pathogenic (1 of 4 stars; one submission).

Conditions:
Immunodeficiency 67. Also called: Immunodeficiency due to interleukin-1 receptor-associated kinase-4 deficiency. Identifiers: Orphanet 70592, MedGen C1843256, MONDO:0011888, OMIM 607676.

gnomAD v4.1: 2 of 1,611,342 alleles (0.00012%); highest among the groups gnomAD compares: Middle Eastern, 0.017%; no homozygotes.

Submission:

Department of Molecular Genetics, Istishari Arab Hospital
Classification: Likely pathogenic for Immunodeficiency 67. Last evaluated: 2026-08-05. Review status: criteria provided, single submitter. Criteria: ACMG Guidelines, 2015. Collection method: clinical testing. Allele origin: germline. Inheritance: Autosomal recessive inheritance. Affected: yes.
Comment: The IRAK4 variant c.-9-1G>A affects the canonical splice acceptor site immediately upstream of the first exon of the gene. The variant is observed with very low frequency in the gnomAD v4.1.0 dataset, and to the best of our knowledge, it was not previously reported in the literature. It is classified as likely pathogenic according to the recommendations of ACMG/AMP/ClinGen SVI guidelines.